The following is an entry in ClinVar:

ClinVar aggregate classification (germline): Uncertain significance (1 of 4 stars; one submission).

Allele frequency attached by ClinVar (database versions not stated): gnomAD exomes 0.00005; ExAC 0.00013; gnomAD 0.00019 and 0.00024; TOPMed 0.00024.
gnomAD v4.1: 65 of 1,602,458 alleles (0.0041%); highest among the groups gnomAD compares: African/African-American, 0.083%; no homozygotes.

Submission:

Labcorp Genetics (formerly Invitae), Labcorp
Classification: Uncertain significance. Last evaluated: 2022-07-06. Review status: criteria provided, single submitter. Criteria: Invitae Variant Classification Sherloc (09022015). Collection method: clinical testing. Allele origin: germline.
Comment: In summary, the available evidence is currently insufficient to determine the role of this variant in disease. Therefore, it has been classified as a Variant of Uncertain Significance. Algorithms developed to predict the effect of missense changes on protein structure and function (SIFT, PolyPhen-2, Align-GVGD) all suggest that this variant is likely to be tolerated. ClinVar contains an entry for this variant (Variation ID: 1348855). This variant has not been reported in the literature in individuals affected with MMP2-related conditions. This variant is present in population databases (rs780763772, gnomAD 0.08%). This sequence change replaces proline, which is neutral and non-polar, with serine, which is neutral and polar, at codon 13 of the MMP2 protein (p.Pro13Ser).

NM_004530.6(MMP2):c.37C>T (p.Pro13Ser)

Gene: MMP2 (matrix metallopeptidase 2; plus strand). Cytogenetic location: 16q12.2.
Variant type: single nucleotide variant.
Coding change: c.37C>T on transcript NM_004530.6 (MANE Select); coding-DNA position 37, C replaced by T.
Protein change: p.Pro13Ser; replaces proline 13 with serine.
Molecular consequence: missense variant. On other transcripts: intron variant (1).
Genome position (GRCh38, 1-based): chr16:55,479,516, C>T. VCF-style: chr16-55479516-C-T. GRCh37 (hg19) VCF-style: chr16-55513428-C-T.
Other names: c.-76+551C>T (NM_001302508.1); short protein forms P13S.
Identifiers: ClinVar variation 1348855 (VCV001348855.8), dbSNP rs780763772, ClinGen allele CA8059963.